The following is an entry in ClinVar:

NM_000136.3(FANCC):c.591C>G (p.Asp197Glu)

Genes: AOPEP (aminopeptidase O (putative); plus strand), FANCC (FA complementation group C; minus strand). Cytogenetic location: 9q22.32.
Variant type: single nucleotide variant.
Coding change: c.591C>G on transcript NM_000136.3 (MANE Select); coding-DNA position 591, C replaced by G.
Protein change: p.Asp197Glu; replaces aspartic acid 197 with glutamic acid.
Molecular consequence: missense variant.
Genome position (GRCh38, 1-based): chr9:95,150,018, G>C on the plus strand (C>G on the coding strand, the complement: FANCC is on the minus strand). VCF-style: chr9-95150018-G-C. GRCh37 (hg19) VCF-style: chr9-97912300-G-C.
Other names: c.591C>G, p.Asp197Glu (NM_001243743.2, NM_001243744.2); short protein forms D197E.
Identifiers: ClinVar variation 456164 (VCV000456164.13), dbSNP rs1457631500, ClinGen allele CA374109706.

ClinVar aggregate classification (germline): Conflicting classifications of pathogenicity. Review status: criteria provided, conflicting classifications (1 of 4 stars). 5 submissions from 5 submitters: Uncertain significance (3); Likely benign (1). 1 of the submissions does not count toward it. Last evaluated 2023-03-06.

Conditions:
Hereditary cancer-predisposing syndrome. Also called: Neoplastic Syndromes, Hereditary; Tumor predisposition; Hereditary Cancer Syndrome; Hereditary neoplastic syndrome. Identifiers: Orphanet 140162, MedGen C0027672, MeSH D009386, MONDO:0015356.
Fanconi anemia (FA). Also called: Fanconi's anemia. Identifiers: Orphanet 84, MedGen C0015625, MeSH D005199, MONDO:0019391.
Fanconi anemia complementation group C (FANCC). Also called: Fanconi anemia, group C; FANCC-Related Fanconi Anemia; FANCONI PANCYTOPENIA, TYPE 3; FACC. Identifiers: Orphanet 84, MedGen C3468041, MONDO:0009213, OMIM 227645.

Allele frequency attached by ClinVar (database versions not stated): gnomAD exomes below 0.00001.
gnomAD v4.1: 40 of 1,614,076 alleles (0.0025%); highest among the groups gnomAD compares: Non-Finnish European, 0.0033%; no homozygotes.

Submissions (5):

GeneDx
Classification: Uncertain significance. Last evaluated: 2023-03-06. Review status: criteria provided, single submitter. Criteria: GeneDx Variant Classification Process June 2021. Collection method: clinical testing. Allele origin: germline. Affected: yes.
Comment: Not observed at significant frequency in large population cohorts (gnomAD); In silico analysis supports that this missense variant does not alter protein structure/function; Has not been previously published as pathogenic or benign to our knowledge; This variant is associated with the following publications: (PMID: Gordon2000[Book])

Labcorp Genetics (formerly Invitae), Labcorp
Classification: Uncertain significance for Fanconi anemia. Last evaluated: 2021-08-24. Review status: criteria provided, single submitter. Criteria: Invitae Variant Classification Sherloc (09022015). Collection method: clinical testing. Allele origin: germline.
Comment: This sequence change replaces aspartic acid with glutamic acid at codon 197 of the FANCC protein (p.Asp197Glu). The aspartic acid residue is weakly conserved and there is a small physicochemical difference between aspartic acid and glutamic acid. This variant is not present in population databases (ExAC no frequency). This variant has not been reported in the literature in individuals affected with FANCC-related conditions. Algorithms developed to predict the effect of missense changes on protein structure and function output the following: SIFT: "Tolerated"; PolyPhen-2: "Benign"; Align-GVGD: "Class C0". The glutamic acid amino acid residue is found in multiple mammalian species, which suggests that this missense change does not adversely affect protein function. In summary, the available evidence is currently insufficient to determine the role of this variant in disease. Therefore, it has been classified as a Variant of Uncertain Significance.

Department of Pathology and Laboratory Medicine, Sinai Health System
Classification: Uncertain significance for Fanconi anemia complementation group C. Last evaluated: 2021-04-28. Review status: criteria provided, single submitter. Criteria: ACMG Guidelines, 2015. Collection method: clinical testing. Allele origin: germline. Affected: yes.

Ambry Genetics
Classification: Likely benign for Hereditary cancer-predisposing syndrome. Last evaluated: 2017-10-13. Review status: criteria provided, single submitter. Criteria: Ambry Variant Classification Scheme 2023. Collection method: clinical testing. Allele origin: germline.

Natera, Inc.
Classification: Uncertain significance for Fanconi anemia. Last evaluated: 2020-08-28. Review status: no assertion criteria provided. Collection method: clinical testing. Allele origin: germline. Not counted in ClinVar's aggregate classification.

Literature cited by the submitters: PubMed 33471991 (cited by Department of Pathology and Laboratory Medicine, Sinai Health System).